The following is an entry in ClinVar:

ClinVar aggregate classification (germline): Uncertain significance (1 of 4 stars; one submission).

gnomAD v4.1: 2 of 1,613,718 alleles (0.00012%); highest among the groups gnomAD compares: East Asian, 0.0045%; no homozygotes.

Submission:

Labcorp Genetics (formerly Invitae), Labcorp
Classification: Uncertain significance. Last evaluated: 2023-05-22. Review status: criteria provided, single submitter. Criteria: Invitae Variant Classification Sherloc (09022015). Collection method: clinical testing. Allele origin: germline.
Comment: This sequence change replaces arginine, which is basic and polar, with glycine, which is neutral and non-polar, at codon 195 of the PLCE1 protein (p.Arg195Gly). This variant is present in population databases (no rsID available, gnomAD 0.006%). This variant has not been reported in the literature in individuals affected with PLCE1-related conditions. ClinVar contains an entry for this variant (Variation ID: 1954092). Algorithms developed to predict the effect of missense changes on protein structure and function output the following: SIFT: "Not Available"; PolyPhen-2: "Benign"; Align-GVGD: "Not Available". The glycine amino acid residue is found in multiple mammalian species, which suggests that this missense change does not adversely affect protein function. In summary, the available evidence is currently insufficient to determine the role of this variant in disease. Therefore, it has been classified as a Variant of Uncertain Significance.

NM_016341.4(PLCE1):c.583A>G (p.Arg195Gly)

Gene: PLCE1 (phospholipase C epsilon 1; plus strand). Cytogenetic location: 10q23.33.
Variant type: single nucleotide variant.
Coding change: c.583A>G on transcript NM_016341.4 (MANE Select); coding-DNA position 583, A replaced by G.
Protein change: p.Arg195Gly; replaces arginine 195 with glycine.
Molecular consequence: missense variant.
Genome position (GRCh38, 1-based): chr10:94,031,629, A>G. VCF-style: chr10-94031629-A-G. GRCh37 (hg19) VCF-style: chr10-95791386-A-G.
Other names: c.583A>G, p.Arg195Gly (NM_001288989.2); short protein forms R195G.
Identifiers: ClinVar variation 1954092 (VCV001954092.5), dbSNP rs1204808932, ClinGen allele CA377636413.